The following is an entry in ClinVar:

ClinVar aggregate classification (germline): Uncertain significance (1 of 4 stars; one submission).

Conditions:
Beta-D-mannosidosis (MANSB). Also called: Beta-Mannosidosis; MANNOSIDOSIS, BETA A, LYSOSOMAL; BETA-MANNOSIDASE DEFICIENCY; LYSOSOMAL BETA-MANNOSIDASE DEFICIENCY. Identifiers: Orphanet 118, MedGen C4048196, MONDO:0009562, OMIM 248510.

Allele frequency attached by ClinVar (database versions not stated): gnomAD exomes below 0.00001; TOPMed below 0.00001; ExAC 0.00001.
gnomAD v4.1: 1 of 1,423,312 alleles (0.00007%); highest among the groups gnomAD compares: Admixed American, 0.002%; no homozygotes.

Submission:

Labcorp Genetics (formerly Invitae), Labcorp
Classification: Uncertain significance for Beta-D-mannosidosis. Last evaluated: 2021-12-13. Review status: criteria provided, single submitter. Criteria: Invitae Variant Classification Sherloc (09022015). Collection method: clinical testing. Allele origin: germline.
Comment: Algorithms developed to predict the effect of missense changes on protein structure and function (SIFT, PolyPhen-2, Align-GVGD) all suggest that this variant is likely to be tolerated. In summary, the available evidence is currently insufficient to determine the role of this variant in disease. Therefore, it has been classified as a Variant of Uncertain Significance. This variant has not been reported in the literature in individuals affected with MANBA-related conditions. The frequency data for this variant in the population databases is considered unreliable, as metrics indicate poor data quality at this position in the gnomAD database. This sequence change replaces lysine, which is basic and polar, with glutamic acid, which is acidic and polar, at codon 226 of the MANBA protein (p.Lys226Glu).

NM_005908.4(MANBA):c.676A>G (p.Lys226Glu)

Gene: MANBA (mannosidase beta; minus strand). Cytogenetic location: 4q24.
Variant type: single nucleotide variant.
Coding change: c.676A>G on transcript NM_005908.4 (MANE Select); coding-DNA position 676, A replaced by G.
Protein change: p.Lys226Glu; replaces lysine 226 with glutamic acid.
Molecular consequence: missense variant.
Genome position (GRCh38, 1-based): chr4:102,690,769, T>C on the plus strand (A>G on the coding strand, the complement: MANBA is on the minus strand). VCF-style: chr4-102690769-T-C. GRCh37 (hg19) VCF-style: chr4-103611926-T-C.
Other names: short protein forms K226E.
Identifiers: ClinVar variation 1490811 (VCV001490811.6), dbSNP rs750030697, ClinGen allele CA3027130.